The following is an entry in ClinVar:

NM_014712.3(SETD1A):c.2909A>G (p.Gln970Arg)

Gene: SETD1A (SET domain containing 1A, histone lysine methyltransferase; plus strand). Cytogenetic location: 16p11.2.
Variant type: single nucleotide variant.
Coding change: c.2909A>G on transcript NM_014712.3 (MANE Select); coding-DNA position 2909, A replaced by G.
Protein change: p.Gln970Arg; replaces glutamine 970 with arginine.
Molecular consequence: missense variant.
Genome position (GRCh38, 1-based): chr16:30,969,443, A>G. VCF-style: chr16-30969443-A-G. GRCh37 (hg19) VCF-style: chr16-30980764-A-G.
Other names: short protein forms Q970R.
Identifiers: ClinVar variation 3363241 (VCV003363241.1).
Genomic context (GRCh38, chr16:30,969,443, plus strand): 5'-AGACCCAGGGCAAGCACCGCAAGTCCTTTGCTCTGGACAGCGAAGGGGAGGAGGCATCCC[A>G]GGAGTCCTCCTCGGAGAAGGTGAGGGCCCGGGCGCCGGCTCCTGGCCGAAGCCTACTTCC-3'
Protein context (NP_055527.1, residues 960-980): ALDSEGEEAS[Gln970Arg]ESSSEKDEED

ClinVar aggregate classification (germline): Uncertain significance (1 of 4 stars; one submission).

Submission:

GeneDx
Classification: Uncertain significance. Last evaluated: 2023-10-30. Review status: criteria provided, single submitter. Criteria: GeneDx Variant Classification Process June 2021. Collection method: clinical testing. Allele origin: germline. Affected: yes.
Comment: Not observed at significant frequency in large population cohorts (gnomAD); In silico analysis supports that this missense variant does not alter protein structure/function; Has not been previously published as pathogenic or benign to our knowledge